The following is an entry in ClinVar:

ClinVar aggregate classification (germline): Conflicting classifications of pathogenicity. Review status: criteria provided, conflicting classifications (1 of 4 stars). 2 submissions from 2 submitters: Likely pathogenic (1); Uncertain significance (1). Last evaluated 2024-07-01.

Conditions:
Microcephaly-intellectual disability-sensorineural hearing loss-epilepsy-abnormal muscle tone syndrome (NEDHSB). Also called: NEURODEVELOPMENTAL DISORDER WITH HEARING LOSS, SEIZURES, AND BRAIN ABNORMALITIES. Identifiers: Orphanet 457351, MedGen C4225276, MONDO:0014698, OMIM 616577.

Allele frequency attached by ClinVar (database versions not stated): gnomAD exomes 0.00001; TOPMed 0.00001.
gnomAD v4.1: 20 of 1,614,110 alleles (0.0012%); highest among the groups gnomAD compares: Non-Finnish European, 0.0017%; no homozygotes.

Submissions (2):

Labcorp Genetics (formerly Invitae), Labcorp
Classification: Uncertain significance for Microcephaly-intellectual disability-sensorineural hearing loss-epilepsy-abnormal muscle tone syndrome. Last evaluated: 2024-07-01. Review status: criteria provided, single submitter. Criteria: Invitae Variant Classification Sherloc (09022015). Collection method: clinical testing. Allele origin: germline.
Comment: This sequence change replaces arginine, which is basic and polar, with serine, which is neutral and polar, at codon 802 of the SPATA5 protein (p.Arg802Ser). This variant is not present in population databases (gnomAD no frequency). This variant has not been reported in the literature in individuals affected with SPATA5-related conditions. ClinVar contains an entry for this variant (Variation ID: 1017339). Advanced modeling of protein sequence and biophysical properties (such as structural, functional, and spatial information, amino acid conservation, physicochemical variation, residue mobility, and thermodynamic stability) performed at Invitae indicates that this missense variant is expected to disrupt SPATA5 protein function with a positive predictive value of 95%. In summary, the available evidence is currently insufficient to determine the role of this variant in disease. Therefore, it has been classified as a Variant of Uncertain Significance.

Victorian Clinical Genetics Services, Murdoch Childrens Research Institute
Classification: Likely pathogenic for Microcephaly-intellectual disability-sensorineural hearing loss-epilepsy-abnormal muscle tone syndrome. Last evaluated: 2023-07-17. Review status: criteria provided, single submitter. Criteria: ACMG Guidelines, 2015. Collection method: clinical testing. Allele origin: germline. Inheritance: Autosomal recessive inheritance. Affected: yes.
Comment: Based on the classification scheme VCGS_Germline_v1.3.4, this variant is classified as Likely pathogenic. Following criteria are met: 0102 - Loss of function is a known mechanism of disease in this gene and is associated with neurodevelopmental disorder with hearing loss, seizures, and brain abnormalities (MIM#616577). (I) 0106 - This gene is associated with autosomal recessive disease. (I) 0200 - Variant is predicted to result in a missense amino acid change from arginine to serine. (I) 0251 - This variant is heterozygous. (I) 0301 - Variant is absent from gnomAD (both v2 and v3). (SP) 0501 - Missense variant consistently predicted to be damaging by multiple in silico tools or highly conserved with a major amino acid change. (SP) 0604 - Variant is not located in an established domain, motif, hotspot or informative constraint region. (I) 0710 - Another missense variant comparable to the one identified in this case has inconclusive previous evidence for pathogenicity. p.(Arg802Lys) has been reported as a VUS once in ClinVar. (I) 0809 - Previous evidence of pathogenicity for this variant is inconclusive. It has been reported as a VUS once in ClinVar. (I) 0905 - No published segregation evidence has been identified for this variant. (I) 1007 - No published functional evidence has been identified for this variant. (I) 1201 - Heterozygous variant detected in trans with a second pathogenic heterozygous variant (NM_145207.2(SPATA5):c.989_991delCAA; p.(Thr330del)) in a recessive disease. (I) Legend: (SP) - Supporting pathogenic, (I) - Information, (SB) - Supporting benign

NM_145207.3(AFG2A):c.2406A>C (p.Arg802Ser)

Gene: AFG2A (AAA ATPase AFG2A; plus strand). Cytogenetic location: 4q28.1.
Variant type: single nucleotide variant.
Coding change: c.2406A>C on transcript NM_145207.3 (MANE Select); coding-DNA position 2406, A replaced by C.
Protein change: p.Arg802Ser; replaces arginine 802 with serine.
Molecular consequence: missense variant.
Genome position (GRCh38, 1-based): chr4:123,256,081, A>C. VCF-style: chr4-123256081-A-C. GRCh37 (hg19) VCF-style: chr4-124177236-A-C.
Other names: c.2403A>C, p.Arg801Ser (NM_001345856.2); short protein forms R801S, R802S.
Identifiers: ClinVar variation 1017339 (VCV001017339.6), dbSNP rs1741466817, ClinGen allele CA358230640.